The following is an entry in ClinVar:

ClinVar aggregate classification (germline): Uncertain significance (1 of 4 stars; one submission).

Submission:

Women's Health and Genetics/Laboratory Corporation of America, LabCorp
Classification: Uncertain significance. Last evaluated: 2025-07-02. Review status: criteria provided, single submitter. Criteria: LabCorp Variant Classification Summary - May 2015. Collection method: clinical testing. Allele origin: germline.
Comment: Variant summary: THBD c.16delG (p.Val6SerfsX54) results in a premature termination codon, predicted to cause a truncation of the encoded protein or absence of the protein due to nonsense mediated decay, however current evidence is not sufficient to establish loss of function as a mechanism for disease. The variant was absent in 138584 control chromosomes. The available data on variant occurrences in the general population are insufficient to allow any conclusion about variant significance. To our knowledge, no occurrence of c.16delG in individuals affected with THBD-Related Disorders and no experimental evidence demonstrating its impact on protein function have been reported. No submitters have cited clinical-significance assessments for this variant to ClinVar. Based on the evidence outlined above, the variant was classified as uncertain significance.

NM_000361.3(THBD):c.16del (p.Val6fs)

Gene: THBD (thrombomodulin; minus strand). Cytogenetic location: 20p11.21.
Variant type: Deletion.
Coding change: c.16del on transcript NM_000361.3 (MANE Select); coding-DNA position 16, one base deleted (G; older notation c.16delG).
Protein change: p.Val6fs; shifts the reading frame from valine 6.
Molecular consequence: frameshift variant.
Genome position (GRCh38, 1-based): chr20:23,049,489, C deleted on the plus strand (G on the coding strand, the reverse complement: THBD is on the minus strand); the first of 2 consecutive C bases (chr20:23,049,489-23,049,490); deleting either gives the same sequence. VCF-style (leftmost placement, unchanged base first): chr20-23049488-AC-A. GRCh37 (hg19) VCF-style: chr20-23030125-AC-A.
Other names: c.16delG (NM_000361.3); short protein forms V6fs.
Identifiers: ClinVar variation 3911954 (VCV003911954.2).